The following is an entry in ClinVar:

ClinVar aggregate classification (germline): Uncertain significance (1 of 4 stars; one submission).

Conditions:
Hereditary cancer-predisposing syndrome. Also called: Tumor predisposition; Hereditary Cancer Syndrome; Hereditary neoplastic syndrome; Neoplastic Syndromes, Hereditary. Identifiers: Orphanet 140162, MedGen C0027672, MeSH D009386, MONDO:0015356.

Submissions (2):

Color Diagnostics, LLC DBA Color Health
Classification: Uncertain significance for Hereditary cancer-predisposing syndrome. Last evaluated: 2025-09-03. Review status: criteria provided, single submitter. Criteria: ACMG Guidelines, 2015. Collection method: clinical testing. Allele origin: germline.
Comment: This variant causes a G to A nucleotide substitution at the +5 position of intron 22 of the BRCA1 gene. Splice prediction tool suggests that this variant may weaken the intron 22 splice donor site (PMID: 30661751). A functional study that incorporates mRNA splicing has reported that this variant does not impact BRCA1 in a haploid cell proliferation assay (PMID: 30209399). This variant has not been reported in individuals affected with BRCA1-related disorders in the literature. This variant has not been identified in the general population by the Genome Aggregation Database (gnomAD). The available evidence is insufficient to determine the role of this variant in disease conclusively. Therefore, this variant is classified as a Variant of Uncertain Significance.

Brotman Baty Institute, University of Washington
No classification provided (evidence only). Condition: Breast-ovarian cancer, familial 1. Review status: no classification provided. Collection method: in vitro. Allele origin: not applicable. Functional consequence: functionally_normal. Not counted in ClinVar's aggregate classification.
ClinVar note: "not provided" was previously submitted as the classification for the variant. However, the classification appeared to be based only on an observation of functional data so it was converted to no classification on 2025-07-30.

Literature cited by the submitters: PubMed 30209399 (cited by Color Diagnostics, LLC DBA Color Health); PubMed 30661751 (cited by Color Diagnostics, LLC DBA Color Health).

NM_007294.4(BRCA1):c.5467+5G>A

Gene: BRCA1 (BRCA1 DNA repair associated; minus strand). Cytogenetic location: 17q21.31.
Variant type: single nucleotide variant.
Coding change: c.5467+5G>A on transcript NM_007294.4 (MANE Select); 5 bases into the intron after coding-DNA position 5467, G replaced by A.
Molecular consequence: intron variant.
Genome position (GRCh38, 1-based): chr17:43,047,638, C>T on the plus strand (G>A on the coding strand, the complement: BRCA1 is on the minus strand). VCF-style: chr17-43047638-C-T. GRCh37 (hg19) VCF-style: chr17-41199655-C-T.
Other names: c.5200+5G>A (NM_001407932.1, NM_001407928.1, NM_001407929.1 and 4 more transcripts); c.2014+5G>A (NM_001408464.1, NM_001408467.1, NM_001408459.1 and 7 more transcripts); c.5323+5G>A (NM_001407742.1, NM_001407736.1, NM_001407749.1 and 18 more transcripts); c.1894+5G>A (NM_001408498.1, NM_001408501.1, NM_001408500.1 and 3 more transcripts); c.5203+5G>A (NM_001407925.1, NM_001407921.1, NM_001407926.1 and 4 more transcripts); c.5249+5G>A (NM_001407945.1, NM_001407943.1, NM_001407944.1); c.5326+5G>A (NM_007297.4, NM_001407731.1, NM_001407695.1 and 12 more transcripts); c.1954+5G>A (NM_001408475.1, NM_001408476.1); and 83 more.
Identifiers: ClinVar variation 864882 (VCV000864882.4), dbSNP rs397509287, ClinGen allele CA916080768.